The following is an entry in ClinVar:

ClinVar aggregate classification (germline): Pathogenic (1 of 4 stars; one submission).

Submission:

GeneDx
Classification: Pathogenic. Last evaluated: 2018-04-30. Review status: criteria provided, single submitter. Criteria: GeneDx Variant Classification (06012015). Collection method: clinical testing. Allele origin: germline. Affected: yes.
Comment: The c.902_923del22 variant in the FOXC2 gene has not been reported previously as a pathogenic variant nor as a benign variant, to our knowledge. The c.902_923del22 variant causes a frameshift starting with codon Leucine 301, changes this amino acid to an Arginine residue, and creates a premature Stop codon at position 29 of the new reading frame, denoted p.Leu301ArgfsX29. This variant is predicted to cause loss of normal protein function through protein truncation. The c.902_923del22 variant is not observed in large population cohorts (Lek et al., 2016). We interpret c.902_923del22 as a pathogenic variant.

NM_005251.3(FOXC2):c.902_923del (p.Leu301fs)

Gene: FOXC2 (forkhead box C2; plus strand). Cytogenetic location: 16q24.1.
Variant type: Deletion.
Coding change: c.902_923del on transcript NM_005251.3 (MANE Select); coding-DNA positions 902 to 923, 22 bases deleted (TGGCGCTGCCCTACGCCGCCGC).
Protein change: p.Leu301fs; shifts the reading frame from leucine 301.
Molecular consequence: frameshift variant.
Genome position (GRCh38, 1-based): chr16:86,568,237-86,568,258, TGGCGCTGCCCTACGCCGCCGC deleted; deleting any 22 consecutive bases within chr16:86,568,229-86,568,258 gives the same sequence; the c. name uses the placement nearest the transcript's 3' end. VCF-style (leftmost placement, unchanged base first): chr16-86568228-TGCCGCCGCTGGCGCTGCCCTAC-T. GRCh37 (hg19) VCF-style: chr16-86601834-TGCCGCCGCTGGCGCTGCCCTAC-T.
Other names: short protein forms L301fs.
Identifiers: ClinVar variation 524132 (VCV000524132.2), dbSNP rs1555531360, ClinGen allele CA658798645.
Genomic context (GRCh38, chr16:86,568,228, plus strand): 5'-TGCGAACGTCGCCGCCGGGCGGAGAGCTGAGCCCGGGGGCCGGACGCGCGGGCCTGGTGG[TGCCGCCGCTGGCGCTGCCCTAC>T]GCCGCCGCGCCGCCCGCCGCCTACGGCCAGCCGTGCGCTCAGGGCCTGGAGGCCGGGGCC-3'